The following is an entry in ClinVar:

ClinVar aggregate classification (germline): Uncertain significance (1 of 4 stars; one submission).

Conditions:
Immunodeficiency 39 (IMD39). Identifiers: Orphanet 574918, MedGen C4225358, MONDO:0014597, OMIM 616345.

Allele frequency attached by ClinVar (database versions not stated): gnomAD exomes below 0.00001.
gnomAD v4.1: 2 of 1,606,392 alleles (0.00012%); highest among the groups gnomAD compares: South Asian, 0.0011%; no homozygotes.

Submission:

Labcorp Genetics (formerly Invitae), Labcorp
Classification: Uncertain significance for Immunodeficiency 39. Last evaluated: 2023-03-17. Review status: criteria provided, single submitter. Criteria: Invitae Variant Classification Sherloc (09022015). Collection method: clinical testing. Allele origin: germline.
Comment: In summary, the available evidence is currently insufficient to determine the role of this variant in disease. Therefore, it has been classified as a Variant of Uncertain Significance. Algorithms developed to predict the effect of missense changes on protein structure and function output the following: SIFT: "Not Available"; PolyPhen-2: "Benign"; Align-GVGD: "Not Available". The threonine amino acid residue is found in multiple mammalian species, which suggests that this missense change does not adversely affect protein function. This variant has not been reported in the literature in individuals affected with IRF7-related conditions. This variant is not present in population databases (gnomAD no frequency). This sequence change replaces alanine, which is neutral and non-polar, with threonine, which is neutral and polar, at codon 265 of the IRF7 protein (p.Ala265Thr).

NM_001572.5(IRF7):c.754G>A (p.Ala252Thr)

Gene: IRF7 (interferon regulatory factor 7; minus strand). Cytogenetic location: 11p15.5.
Variant type: single nucleotide variant.
Coding change: c.754G>A on transcript NM_001572.5 (MANE Select); coding-DNA position 754, G replaced by A.
Protein change: p.Ala252Thr; replaces alanine 252 with threonine.
Molecular consequence: missense variant. On other transcripts: intron variant (1).
Genome position (GRCh38, 1-based): chr11:613,963, C>T on the plus strand (G>A on the coding strand, the complement: IRF7 is on the minus strand). VCF-style: chr11-613963-C-T. GRCh37 (hg19) VCF-style: chr11-613963-C-T.
Other names: c.793G>A, p.Ala265Thr (NM_004031.4); c.680-98G>A (NM_004029.4); short protein forms A252T, A265T.
Identifiers: ClinVar variation 2846663 (VCV002846663.3), dbSNP rs2493916662, ClinGen allele CA378980116.